The following is an entry in ClinVar:

NM_005445.4(SMC3):c.1783G>A (p.Val595Ile)

Gene: SMC3 (structural maintenance of chromosomes 3; plus strand). Cytogenetic location: 10q25.2.
Variant type: single nucleotide variant.
Coding change: c.1783G>A on transcript NM_005445.4 (MANE Select); coding-DNA position 1783, G replaced by A.
Protein change: p.Val595Ile; replaces valine 595 with isoleucine.
Molecular consequence: missense variant.
Genome position (GRCh38, 1-based): chr10:110,591,103, G>A. VCF-style: chr10-110591103-G-A. GRCh37 (hg19) VCF-style: chr10-112350861-G-A.
Other names: short protein forms V595I.
Identifiers: ClinVar variation 2906824 (VCV002906824.3), dbSNP rs889672664, ClinGen allele CA213239784.

ClinVar aggregate classification (germline): Uncertain significance (1 of 4 stars; one submission).

Conditions:
Cornelia de Lange syndrome 3 (CDLS3). Also called: SMC3-Related Cornelia de Lange Syndrome; CORNELIA DE LANGE SYNDROME 3 WITH OR WITHOUT MIDLINE BRAIN DEFECTS. Identifiers: Orphanet 199, MedGen C1853099, MONDO:0012555, OMIM 610759.

Allele frequency attached by ClinVar (database versions not stated): TOPMed 0.00001.

Submission:

Labcorp Genetics (formerly Invitae), Labcorp
Classification: Uncertain significance for Cornelia de Lange syndrome 3. Last evaluated: 2023-06-18. Review status: criteria provided, single submitter. Criteria: Invitae Variant Classification Sherloc (09022015). Collection method: clinical testing. Allele origin: germline.
Comment: In summary, the available evidence is currently insufficient to determine the role of this variant in disease. Therefore, it has been classified as a Variant of Uncertain Significance. Advanced modeling of protein sequence and biophysical properties (such as structural, functional, and spatial information, amino acid conservation, physicochemical variation, residue mobility, and thermodynamic stability) performed at Invitae indicates that this missense variant is not expected to disrupt SMC3 protein function. This variant has not been reported in the literature in individuals affected with SMC3-related conditions. This variant is not present in population databases (gnomAD no frequency). This sequence change replaces valine, which is neutral and non-polar, with isoleucine, which is neutral and non-polar, at codon 595 of the SMC3 protein (p.Val595Ile).